The following is an entry in ClinVar:

NM_025000.4(DCAF17):c.1204dup (p.Thr402fs)

Gene: DCAF17 (DDB1 and CUL4 associated factor 17; plus strand). Cytogenetic location: 2q31.1.
Variant type: Duplication.
Coding change: c.1204dup on transcript NM_025000.4 (MANE Select); coding-DNA position 1204, one base duplicated (A; older notation c.1204dupA).
Protein change: p.Thr402fs; shifts the reading frame from threonine 402.
Molecular consequence: frameshift variant. On other transcripts: non-coding transcript variant (1).
Genome position (GRCh38, 1-based): chr2:171,478,008, A duplicated. VCF-style (leftmost placement, unchanged base first): chr2-171478007-T-TA. GRCh37 (hg19) VCF-style: chr2-172334517-T-TA.
Other names: c.1003dup, p.Thr335fs (NM_001164821.2); short protein forms T335fs, T402fs.
Identifiers: ClinVar variation 957844 (VCV000957844.8), dbSNP rs1696575671, ClinGen allele CA1139657354.
Genomic context (GRCh38, chr2:171,478,007, plus strand): 5'-TAGAACTTGTCATATCTTTTTATTTCTTTCCATATGATAGAATGAAAATGTACTCACTGT[T>TA]ACAGCTTCTGGACGGGTGGTAAAAAAAAGTTTTAACCTTCTGGATGATGACCCAGAACAA-3'

ClinVar aggregate classification (germline): Pathogenic (1 of 4 stars; one submission).

Conditions:
Woodhouse-Sakati syndrome. Also called: Hypogonadism, diabetes mellitus, alopecia, mental retardation and electrocardiographic abnormalities; Hypogonadism, Alopecia, Diabetes Mellitus, Mental Retardation, and Extrapyramidal Syndrome; EXTRAPYRAMIDAL DISORDER, PROGRESSIVE, WITH PRIMARY HYPOGONADISM, MENTAL RETARDATION, AND ALOPECIA. Identifiers: Orphanet 3464, MedGen C0342286, MONDO:0009419, OMIM 241080.

Submission:

Labcorp Genetics (formerly Invitae), Labcorp
Classification: Pathogenic for Woodhouse-Sakati syndrome. Last evaluated: 2025-11-28. Review status: criteria provided, single submitter. Criteria: Invitae Variant Classification Sherloc (09022015). Collection method: clinical testing. Allele origin: germline.
Comment: This sequence change creates a premature translational stop signal (p.Thr402Asnfs*12) in the DCAF17 gene. It is expected to result in an absent or disrupted protein product. Loss-of-function variants in DCAF17 are known to be pathogenic (PMID: 19026396, 20507343). This variant is not present in population databases (gnomAD no frequency). This variant has not been reported in the literature in individuals affected with DCAF17-related conditions. ClinVar contains an entry for this variant (Variation ID: 957844). For these reasons, this variant has been classified as Pathogenic.

Literature cited by the submitters: PubMed 19026396; PubMed 20507343.